The following is an entry in ClinVar:

NM_175875.5(SIX5):c.1438C>T (p.Pro480Ser)

Gene: SIX5 (SIX homeobox 5; minus strand). Cytogenetic location: 19q13.32.
Variant type: single nucleotide variant.
Coding change: c.1438C>T on transcript NM_175875.5 (MANE Select); coding-DNA position 1438, C replaced by T.
Protein change: p.Pro480Ser; replaces proline 480 with serine.
Molecular consequence: missense variant.
Genome position (GRCh38, 1-based): chr19:45,766,521, G>A on the plus strand (C>T on the coding strand, the complement: SIX5 is on the minus strand). VCF-style: chr19-45766521-G-A. GRCh37 (hg19) VCF-style: chr19-46269779-G-A.
Other names: short protein forms P480S.
Identifiers: ClinVar variation 1898167 (VCV001898167.5), dbSNP rs998110701, ClinGen allele CA309000870.

ClinVar aggregate classification (germline): Uncertain significance (1 of 4 stars; one submission).

gnomAD v4.1: 2 of 1,501,658 alleles (0.00013%); highest among the groups gnomAD compares: Non-Finnish European, 0.00018%; no homozygotes.

Submission:

Labcorp Genetics (formerly Invitae), Labcorp
Classification: Uncertain significance. Last evaluated: 2022-03-21. Review status: criteria provided, single submitter. Criteria: Invitae Variant Classification Sherloc (09022015). Collection method: clinical testing. Allele origin: germline.
Comment: In summary, the available evidence is currently insufficient to determine the role of this variant in disease. Therefore, it has been classified as a Variant of Uncertain Significance. Algorithms developed to predict the effect of missense changes on protein structure and function are either unavailable or do not agree on the potential impact of this missense change (SIFT: "Deleterious"; PolyPhen-2: "Benign"; Align-GVGD: "Class C0"). This variant has not been reported in the literature in individuals affected with SIX5-related conditions. The frequency data for this variant in the population databases is considered unreliable, as metrics indicate poor data quality at this position in the gnomAD database. This sequence change replaces proline, which is neutral and non-polar, with serine, which is neutral and polar, at codon 480 of the SIX5 protein (p.Pro480Ser).